The following is an entry in ClinVar:

NM_020921.4(NIN):c.6050del (p.Asn2017fs)

Gene: NIN (ninein; minus strand). Cytogenetic location: 14q22.1.
Variant type: Deletion.
Coding change: c.6050del on transcript NM_020921.4 (MANE Select); coding-DNA position 6050, one base deleted (A; older notation c.6050delA).
Protein change: p.Asn2017fs; shifts the reading frame from asparagine 2017.
Molecular consequence: frameshift variant.
Genome position (GRCh38, 1-based): chr14:50,729,551, T deleted on the plus strand (A on the coding strand, the reverse complement: NIN is on the minus strand); the first of 4 consecutive T bases (chr14:50,729,551-50,729,554); deleting any one gives the same sequence. VCF-style (leftmost placement, unchanged base first): chr14-50729550-GT-G. GRCh37 (hg19) VCF-style: chr14-51196268-GT-G.
Other names: c.3911del, p.Asn1304fs (NM_016350.5); c.6050del, p.Asn2017fs (NM_182944.3, NM_182946.2); short protein forms N1304fs, N2017fs.
Identifiers: ClinVar variation 3677608 (VCV003677608.2).

ClinVar aggregate classification (germline): Uncertain significance (1 of 4 stars; one submission).

Submission:

Labcorp Genetics (formerly Invitae), Labcorp
Classification: Uncertain significance. Last evaluated: 2024-10-07. Review status: criteria provided, single submitter. Criteria: Invitae Variant Classification Sherloc (09022015). Collection method: clinical testing. Allele origin: germline.
Comment: This sequence change creates a premature translational stop signal (p.Asn2017Thrfs*17) in the NIN gene. It is expected to result in an absent or disrupted protein product. However, the current clinical and genetic evidence is not sufficient to establish whether loss-of-function variants in NIN cause disease. This variant is not present in population databases (gnomAD no frequency). This variant has not been reported in the literature in individuals affected with NIN-related conditions. In summary, the available evidence is currently insufficient to determine the role of this variant in disease. Therefore, it has been classified as a Variant of Uncertain Significance.